The following is an entry in ClinVar:

ClinVar aggregate classification (germline): Uncertain significance (1 of 4 stars; one submission).

Submission:

Labcorp Genetics (formerly Invitae), Labcorp
Classification: Uncertain significance. Last evaluated: 2022-03-18. Review status: criteria provided, single submitter. Criteria: Invitae Variant Classification Sherloc (09022015). Collection method: clinical testing. Allele origin: germline.
Comment: In summary, the available evidence is currently insufficient to determine the role of this variant in disease. Therefore, it has been classified as a Variant of Uncertain Significance. Algorithms developed to predict the effect of missense changes on protein structure and function output the following: SIFT: "Tolerated"; PolyPhen-2: "Not Available"; Align-GVGD: "Class C0". The serine amino acid residue is found in multiple mammalian species, which suggests that this missense change does not adversely affect protein function. This variant has not been reported in the literature in individuals affected with DDX3X-related conditions. This variant is not present in population databases (gnomAD no frequency). This sequence change replaces asparagine, which is neutral and polar, with serine, which is neutral and polar, at codon 173 of the DDX3X protein (p.Asn173Ser).

NM_001356.5(DDX3X):c.518A>G (p.Asn173Ser)

Gene: DDX3X (DEAD-box helicase 3 X-linked; plus strand). Cytogenetic location: Xp11.4.
Variant type: single nucleotide variant.
Coding change: c.518A>G on transcript NM_001356.5 (MANE Select); coding-DNA position 518, A replaced by G.
Protein change: p.Asn173Ser; replaces asparagine 173 with serine.
Molecular consequence: missense variant. On other transcripts: 5 prime UTR variant (1), non-coding transcript variant (1).
Genome position (GRCh38, 1-based): chrX:41,342,811, A>G. VCF-style: chrX-41342811-A-G. GRCh37 (hg19) VCF-style: chrX-41202064-A-G.
Other names: c.518A>G, p.Asn173Ser (NM_001193416.3); c.470A>G, p.Asn157Ser (NM_001193417.3); c.-41A>G (NM_001363819.1); short protein forms N157S, N173S.
Identifiers: ClinVar variation 2113564 (VCV002113564.4), dbSNP rs2519509576, ClinGen allele CA412767325.